The following is an entry in ClinVar:

ClinVar aggregate classification (germline): Likely benign. Review status: criteria provided, multiple submitters, no conflicts (2 of 4 stars). 4 submissions from 4 submitters: Likely benign (3). 1 of the submissions does not count toward it. Last evaluated 2025-10-18.

Conditions:
RARS1-related disorder. Also called: RARS1-related condition.

Submissions (4):

Labcorp Genetics (formerly Invitae), Labcorp
Classification: Likely benign. Last evaluated: 2025-10-18. Review status: criteria provided, single submitter. Criteria: Invitae Variant Classification Sherloc (09022015). Collection method: clinical testing. Allele origin: germline.

Blueprint Genetics
Classification: Likely benign. Last evaluated: 2024-11-25. Review status: criteria provided, single submitter. Criteria: ACMG Guidelines, 2015. Collection method: clinical testing. Allele origin: germline.

GeneDx
Classification: Likely benign. Last evaluated: 2020-11-18. Review status: criteria provided, single submitter. Criteria: GeneDx Variant Classification Process June 2021. Collection method: clinical testing. Allele origin: germline. Affected: yes.

PreventionGenetics, part of Exact Sciences
Classification: Benign for RARS1-related condition. Last evaluated: 2019-10-17. Review status: no assertion criteria provided. Collection method: clinical testing. Allele origin: germline. Not counted in ClinVar's aggregate classification.
Comment: This variant is classified as benign based on ACMG/AMP sequence variant interpretation guidelines (Richards et al. 2015 PMID: 25741868, with internal and published modifications).

NM_002887.4(RARS1):c.823-16AT[7]

Gene: RARS1 (arginyl-tRNA synthetase 1; plus strand). Cytogenetic location: 5q34.
Variant type: Microsatellite.
Coding change: c.823-16AT[7] on transcript NM_002887.4 (MANE Select); seven copies in a row of the 2-base unit AT starting at c.823-16.
Molecular consequence: intron variant.
Genome position: GRCh38 VCF-style: chr5-168500574-A-AAT. GRCh37 (hg19) VCF-style: chr5-167927579-A-AAT.
Identifiers: ClinVar variation 419796 (VCV000419796.14), dbSNP rs745773302, ClinGen allele CA3549741.